The following is an entry in ClinVar:

ClinVar aggregate classification (germline): Uncertain significance (1 of 4 stars; one submission).

Conditions:
Inborn genetic diseases. Identifiers: MedGen C0950123, MeSH D030342.

Submission:

Ambry Genetics
Classification: Uncertain significance for Inborn genetic diseases. Last evaluated: 2026-08-24. Review status: criteria provided, single submitter. Criteria: Ambry Variant Classification Scheme 2023. Collection method: clinical testing. Allele origin: germline.
Comment: The p.D79N variant (also known as c.235G>A), located in coding exon 3 of the FANCA gene, results from a G to A substitution at nucleotide position 235. The aspartic acid at codon 79 is replaced by asparagine, an amino acid with highly similar properties. This amino acid position is conserved. In addition, this alteration is predicted to be tolerated by in silico analysis. Based on the available evidence, the clinical significance of this variant remains unclear.

NM_000135.4(FANCA):c.235G>A (p.Asp79Asn)

Gene: FANCA (FA complementation group A; minus strand). Cytogenetic location: 16q24.3.
Variant type: single nucleotide variant.
Coding change: c.235G>A on transcript NM_000135.4 (MANE Select); coding-DNA position 235, G replaced by A.
Protein change: p.Asp79Asn; replaces aspartic acid 79 with asparagine.
Molecular consequence: missense variant.
Genome position (GRCh38, 1-based): chr16:89,814,568, C>T on the plus strand (G>A on the coding strand, the complement: FANCA is on the minus strand). VCF-style: chr16-89814568-C-T. GRCh37 (hg19) VCF-style: chr16-89880976-C-T.
Other names: c.235G>A, p.Asp79Asn (NM_001018112.3, NM_001286167.3, NM_001351830.2); short protein forms D79N.
Identifiers: ClinVar variation 5036432 (VCV005036432.1).